The following is an entry in ClinVar:

ClinVar aggregate classification (germline): Conflicting classifications of pathogenicity. Review status: criteria provided, conflicting classifications (1 of 4 stars). 4 submissions from 4 submitters: Likely pathogenic (1); Uncertain significance (2). 1 of the submissions does not count toward it. Last evaluated 2023-05-02.

Conditions:
Autosomal recessive limb-girdle muscular dystrophy type 2A (LGMDR1). Also called: Calpainopathy; MUSCULAR DYSTROPHY, PELVOFEMORAL; Limb-girdle muscular dystrophy, type 2A; Muscular dystrophy, limb-girdle, type 2A, Amish; LEYDEN-MOEBIUS MUSCULAR DYSTROPHY. Identifiers: Orphanet 267, MedGen C1869123, MONDO:0009675, OMIM 253600. Disease mechanism: loss of function.

Submissions (4):

Revvity Omics, Revvity
Classification: Uncertain significance. Last evaluated: 2023-05-02. Review status: criteria provided, single submitter. Criteria: ACMG Guidelines, 2015. Collection method: clinical testing. Allele origin: germline.

Labcorp Genetics (formerly Invitae), Labcorp
Classification: Uncertain significance for Autosomal recessive limb-girdle muscular dystrophy type 2A. Last evaluated: 2022-09-26. Review status: criteria provided, single submitter. Criteria: Invitae Variant Classification Sherloc (09022015). Collection method: clinical testing. Allele origin: germline.
Comment: This variant, c.2258_2260del, results in the deletion of 1 amino acid(s) of the CAPN3 protein (p.Asp753del), but otherwise preserves the integrity of the reading frame. This variant is present in population databases (no rsID available, gnomAD 0.0009%). This variant has been observed in individual(s) with limb-girdle muscular dystrophy (Invitae). ClinVar contains an entry for this variant (Variation ID: 286195). This variant disrupts a region of the CAPN3 protein in which other variant(s) (p.Asp753Asn) have been observed in individuals with CAPN3-related conditions (PMID: 16141003, 18854869). This suggests that this is a clinically significant region of the protein, and that variants that disrupt it are likely to be disease-causing. In summary, the available evidence is currently insufficient to determine the role of this variant in disease. Therefore, it has been classified as a Variant of Uncertain Significance.

Eurofins Ntd Llc (ga)
Classification: Likely pathogenic. Last evaluated: 2018-03-09. Review status: criteria provided, single submitter. Criteria: EGL ClinVar v180209 classification definitions. Collection method: clinical testing. Allele origin: germline. Observed: 4 variant alleles, 4 heterozygotes.

Counsyl
Classification: Uncertain significance for Autosomal recessive limb-girdle muscular dystrophy type 2A. Last evaluated: 2017-04-19. Review status: no assertion criteria provided. Collection method: clinical testing. Allele origin: unknown. Not counted in ClinVar's aggregate classification.

Literature cited by the submitters: PubMed 16141003 (cited by Labcorp Genetics (formerly Invitae), Labcorp); PubMed 18854869 (cited by Labcorp Genetics (formerly Invitae), Labcorp).

NM_000070.3(CAPN3):c.2255ACG[1] (p.Asp753del)

Gene: CAPN3 (calpain 3; plus strand). Cytogenetic location: 15q15.1.
Variant type: Microsatellite.
Coding change: c.2255ACG[1] on transcript NM_000070.3 (MANE Select); one copy of the 3-base unit ACG starting at c.2255; the reference has two copies in a row; one copy, 3 bases deleted; also written c.2258_2260del.
Protein change: p.Asp753del; deletes aspartic acid 753.
Molecular consequence: inframe deletion.
Genome position (GRCh38, 1-based): chr15:42,410,661-42,410,663, ACG deleted; deleting any 3 consecutive bases within chr15:42,410,658-42,410,663 gives the same sequence; the position shown is the placement nearest the transcript's 3' end. VCF-style (leftmost placement, unchanged base first): chr15-42410657-AACG-A. GRCh37 (hg19) VCF-style: chr15-42702855-AACG-A.
Other names: c.2258_2260del (NM_000070.2, NM_000070.3); c.719ACG[1], p.Asp241del (NM_173088.2); c.260ACG[1], p.Asp88del (NM_173089.2, NM_173090.2); c.2237ACG[1], p.Asp747del (NM_024344.2); c.1979ACG[1], p.Asp661del (NM_173087.2); short protein forms D753del, D661del, D241del, D747del, D88del.
Identifiers: ClinVar variation 286195 (VCV000286195.14), dbSNP rs886043333, ClinGen allele CA10605392.